The following is an entry in ClinVar:

ClinVar aggregate classification (germline): Uncertain significance (1 of 4 stars; one submission).

Allele frequency attached by ClinVar (database versions not stated): gnomAD 0.00029 and 0.00031; ExAC 0.00031; gnomAD exomes 0.00036 and 0.00051; ESP Exome Variant Server 0.00077.
gnomAD v4.1: 770 of 1,614,084 alleles (0.048%); highest among the groups gnomAD compares: Non-Finnish European, 0.062%; 2 homozygotes.

Submission:

Labcorp Genetics (formerly Invitae), Labcorp
Classification: Uncertain significance. Last evaluated: 2025-11-23. Review status: criteria provided, single submitter. Criteria: Invitae Variant Classification Sherloc (09022015). Collection method: clinical testing. Allele origin: germline.
Comment: This sequence change replaces alanine, which is neutral and non-polar, with valine, which is neutral and non-polar, at codon 242 of the ADCY1 protein (p.Ala242Val). This variant is present in population databases (rs75000917, gnomAD 0.06%), and has an allele count higher than expected for a pathogenic variant. This variant has not been reported in the literature in individuals affected with ADCY1-related conditions. ClinVar contains an entry for this variant (Variation ID: 1472857). Invitae Evidence Modeling of protein sequence and biophysical properties (such as structural, functional, and spatial information, amino acid conservation, physicochemical variation, residue mobility, and thermodynamic stability) indicates that this missense variant is not expected to disrupt ADCY1 protein function with a negative predictive value of 80%. In summary, the available evidence is currently insufficient to determine the role of this variant in disease. Therefore, it has been classified as a Variant of Uncertain Significance.

NM_021116.4(ADCY1):c.725C>T (p.Ala242Val)

Gene: ADCY1 (adenylate cyclase 1; plus strand). Cytogenetic location: 7p12.3.
Variant type: single nucleotide variant.
Coding change: c.725C>T on transcript NM_021116.4 (MANE Select); coding-DNA position 725, C replaced by T.
Protein change: p.Ala242Val; replaces alanine 242 with valine.
Molecular consequence: missense variant.
Genome position (GRCh38, 1-based): chr7:45,592,844, C>T. VCF-style: chr7-45592844-C-T. GRCh37 (hg19) VCF-style: chr7-45632443-C-T.
Other names: c.50C>T, p.Ala17Val (NM_001281768.2); short protein forms A242V, A17V.
Identifiers: ClinVar variation 1472857 (VCV001472857.6), dbSNP rs75000917, ClinGen allele CA4248744.
Genomic context (GRCh38, chr7:45,592,844, plus strand): 5'-TCGGTGTGAACATGTATGGGGTCTTTGTGCGGATTCTGACTGAGCGTTCACAGAGGAAGG[C>T]GTTCCTGCAGGCCCGGAGCTGCATTGAGGACCGACTGAGGCTGGAGGATGAGAACGAGAA-3'
Protein context (NP_066939.1, residues 232-252): RILTERSQRK[Ala242Val]FLQARSCIED